The following is an entry in ClinVar:

ClinVar aggregate classification (germline): Likely benign. Review status: criteria provided, single submitter (1 of 4 stars). 2 submissions from 2 submitters: Likely benign (1). 1 of the submissions does not count toward it. Last evaluated 2025-02-17.

Conditions:
MACF1-related disorder. Also called: MACF1-related condition.

Allele frequency attached by ClinVar (database versions not stated): ExAC 0.00009; gnomAD 0.00001; TOPMed 0.00006; gnomAD exomes 0.00006.
gnomAD v4.1: 37 of 1,613,962 alleles (0.0023%); highest among the groups gnomAD compares: Admixed American, 0.06%; no homozygotes.

Submissions (2):

Labcorp Genetics (formerly Invitae), Labcorp
Classification: Likely benign. Last evaluated: 2025-02-17. Review status: criteria provided, single submitter. Criteria: Invitae Variant Classification Sherloc (09022015). Collection method: clinical testing. Allele origin: germline.

PreventionGenetics, part of Exact Sciences
Classification: Likely benign for MACF1-related condition. Last evaluated: 2022-04-21. Review status: no assertion criteria provided. Collection method: clinical testing. Allele origin: germline. Not counted in ClinVar's aggregate classification.
Comment: This variant is classified as likely benign based on ACMG/AMP sequence variant interpretation guidelines (Richards et al. 2015 PMID: 25741868, with internal and published modifications).

NM_001394062.1(MACF1):c.20732A>G (p.Asp6911Gly)

Gene: MACF1 (microtubule actin crosslinking factor 1; plus strand). Cytogenetic location: 1p34.3.
Variant type: single nucleotide variant.
Coding change: c.20732A>G on transcript NM_001394062.1 (MANE Select); coding-DNA position 20732, A replaced by G.
Protein change: p.Asp6911Gly; replaces aspartic acid 6911 with glycine.
Molecular consequence: missense variant.
Genome position (GRCh38, 1-based): chr1:39,452,802, A>G. VCF-style: chr1-39452802-A-G. GRCh37 (hg19) VCF-style: chr1-39918474-A-G.
Other names: c.8810A>G, p.Asp2937Gly (NM_001397473.1); c.14555A>G, p.Asp4852Gly (NM_012090.5); short protein forms D4852G, D2937G, D6911G.
Identifiers: ClinVar variation 3013585 (VCV003013585.5), dbSNP rs771589506, ClinGen allele CA784433.
Genomic context (GRCh38, chr1:39,452,802, plus strand): 5'-AAACGCTTCGCTTTCGGGGAGCACTTCCTGATGACACAGAGGCCCTGCAGTCTCTCATTG[A>G]CACCCATAAGGTAATCCAGCCTTGGGGTTTGGTGACCTCATGCTACCTACCACCTTGAGG-3'
Protein context (NP_001380991.1, residues 6901-6921): DDTEALQSLI[Asp6911Gly]THKEFMKKVE